The following is an entry in ClinVar:

ClinVar aggregate classification (germline): Uncertain significance (1 of 4 stars; one submission).

Allele frequency attached by ClinVar (database versions not stated): gnomAD exomes below 0.00001; TOPMed below 0.00001.

Submission:

Labcorp Genetics (formerly Invitae), Labcorp
Classification: Uncertain significance. Last evaluated: 2021-10-02. Review status: criteria provided, single submitter. Criteria: Invitae Variant Classification Sherloc (09022015). Collection method: clinical testing. Allele origin: germline.
Comment: In summary, the available evidence is currently insufficient to determine the role of this variant in disease. Therefore, it has been classified as a Variant of Uncertain Significance. Algorithms developed to predict the effect of missense changes on protein structure and function are either unavailable or do not agree on the potential impact of this missense change (SIFT: "Deleterious"; PolyPhen-2: "Probably Damaging"; Align-GVGD: "Class C0"). This variant has not been reported in the literature in individuals affected with REST-related conditions. This variant is not present in population databases (ExAC no frequency). This sequence change replaces leucine with valine at codon 15 of the REST protein (p.Leu15Val). The leucine residue is highly conserved and there is a small physicochemical difference between leucine and valine.

NM_005612.5(REST):c.43C>G (p.Leu15Val)

Gene: REST (RE1 silencing transcription factor; plus strand). Cytogenetic location: 4q12.
Variant type: single nucleotide variant.
Coding change: c.43C>G on transcript NM_005612.5 (MANE Select); coding-DNA position 43, C replaced by G.
Protein change: p.Leu15Val; replaces leucine 15 with valine.
Molecular consequence: missense variant.
Genome position (GRCh38, 1-based): chr4:56,910,681, C>G. VCF-style: chr4-56910681-C-G. GRCh37 (hg19) VCF-style: chr4-57776847-C-G.
Other names: c.43C>G, p.Leu15Val (NM_001193508.2, NM_001363453.3); short protein forms L15V.
Identifiers: ClinVar variation 1522215 (VCV001522215.6), dbSNP rs1029986380, ClinGen allele CA97629372.